The following is an entry in ClinVar:

ClinVar aggregate classification (germline): Conflicting classifications of pathogenicity. Review status: criteria provided, conflicting classifications (1 of 4 stars). 2 submissions from 2 submitters: Uncertain significance (1); Likely benign (1). Last evaluated 2026-01-19.

Conditions:
Multiple acyl-CoA dehydrogenase deficiency (MADD). Also called: ETHYLMALONIC-ADIPICACIDURIA; GA II; Glutaric aciduria, type 2; Glutaric acidemia type II; GA 2; Glutaric Acidemia type 2. Identifiers: Orphanet 26791, MedGen C0268596, MONDO:0009282, OMIM 231680.
Inborn genetic diseases. Identifiers: MedGen C0950123, MeSH D030342.

Allele frequency attached by ClinVar (database versions not stated): gnomAD 0.00001; TOPMed 0.00002.

Submissions (2):

Labcorp Genetics (formerly Invitae), Labcorp
Classification: Uncertain significance for Multiple acyl-CoA dehydrogenase deficiency. Last evaluated: 2026-01-19. Review status: criteria provided, single submitter. Criteria: Invitae Variant Classification Sherloc (09022015). Collection method: clinical testing. Allele origin: germline.
Comment: This sequence change replaces arginine, which is basic and polar, with glutamine, which is neutral and polar, at codon 495 of the ETFDH protein (p.Arg495Gln). This variant is not present in population databases (gnomAD no frequency). This variant has not been reported in the literature in individuals affected with ETFDH-related conditions. ClinVar contains an entry for this variant (Variation ID: 2201905). Invitae Evidence Modeling of protein sequence and biophysical properties (such as structural, functional, and spatial information, amino acid conservation, physicochemical variation, residue mobility, and thermodynamic stability) indicates that this missense variant is not expected to disrupt ETFDH protein function with a negative predictive value of 80%. In summary, the available evidence is currently insufficient to determine the role of this variant in disease. Therefore, it has been classified as a Variant of Uncertain Significance.

Ambry Genetics
Classification: Likely benign for Inborn genetic diseases. Last evaluated: 2025-03-21. Review status: criteria provided, single submitter. Criteria: Ambry Variant Classification Scheme 2023. Collection method: clinical testing. Allele origin: germline.

NM_004453.4(ETFDH):c.1484G>A (p.Arg495Gln)

Gene: ETFDH (electron transfer flavoprotein dehydrogenase; plus strand). Cytogenetic location: 4q32.1.
Variant type: single nucleotide variant.
Coding change: c.1484G>A on transcript NM_004453.4 (MANE Select); coding-DNA position 1484, G replaced by A.
Protein change: p.Arg495Gln; replaces arginine 495 with glutamine.
Molecular consequence: missense variant.
Genome position (GRCh38, 1-based): chr4:158,706,644, G>A. VCF-style: chr4-158706644-G-A. GRCh37 (hg19) VCF-style: chr4-159627796-G-A.
Other names: c.1343G>A, p.Arg448Gln (NM_001281737.2); c.1301G>A, p.Arg434Gln (NM_001281738.1); c.1484G>A (NM_004453.2); short protein forms R434Q, R495Q, R448Q.
Identifiers: ClinVar variation 2201905 (VCV002201905.4), dbSNP rs759959904, ClinGen allele CA108819321.